The following is an entry in ClinVar:

NM_001042492.3(NF1):c.4835G>C (p.Arg1612Thr)

Gene: NF1 (neurofibromin 1; plus strand). Cytogenetic location: 17q11.2.
Variant type: single nucleotide variant.
Coding change: c.4835G>C on transcript NM_001042492.3 (MANE Select); coding-DNA position 4835, G replaced by C.
Protein change: p.Arg1612Thr; replaces arginine 1612 with threonine.
Molecular consequence: missense variant.
Genome position (GRCh38, 1-based): chr17:31,265,339, G>C. VCF-style: chr17-31265339-G-C. GRCh37 (hg19) VCF-style: chr17-29592357-G-C.
Other names: c.4772G>C, p.Arg1591Thr (NM_000267.4); short protein forms R1591T, R1612T.
Identifiers: ClinVar variation 1318480 (VCV001318480.8), dbSNP rs1555619423, ClinGen allele CA399001390.
Genomic context (GRCh38, chr17:31,265,339, plus strand): 5'-TTTTCTACCAAGCTGGGACTTCCAAAGCTGGGAATCCTATTTTTTATTATGTTGCACGGA[G>C]GTAAGAAATACTATGTTTTGGGTCTCTTAACAGAATTTTTTAAATTATAGCAAATATAGA-3'
Protein context (NP_001035957.1, residues 1602-1622): GNPIFYYVAR[Arg1612Thr]FKTGQINGDL

ClinVar aggregate classification (germline): Conflicting classifications of pathogenicity. Review status: criteria provided, conflicting classifications (1 of 4 stars). 3 submissions from 3 submitters: Pathogenic (1); Likely pathogenic (1); Uncertain significance (1). Last evaluated 2025-10-08.

Conditions:
Neurofibromatosis, type 1 (NF1). Also called: NEUROFIBROMATOSIS, TYPE I, SOMATIC; Peripheral type neurofibromatosis; Neurofibromatosis, type I; VON RECKLINGHAUSEN DISEASE. Identifiers: Orphanet 636, MedGen C0027831, MONDO:0018975, OMIM 162200. Disease mechanism: loss of function.
Hereditary cancer-predisposing syndrome. Also called: Neoplastic Syndromes, Hereditary; Hereditary Cancer Syndrome; Tumor predisposition; Hereditary neoplastic syndrome. Identifiers: Orphanet 140162, MedGen C0027672, MeSH D009386, MONDO:0015356.
Cardiovascular phenotype. Identifiers: MedGen CN230736.

Allele frequency attached by ClinVar (database versions not stated): gnomAD exomes below 0.00001.
gnomAD v4.1: 1 of 1,601,736 alleles (0.000062%); highest among the groups gnomAD compares: Non-Finnish European, 0.000086%; no homozygotes.

Submissions (3):

Ambry Genetics
Classification: Likely pathogenic for Cardiovascular phenotype; Hereditary cancer-predisposing syndrome. Last evaluated: 2025-10-08. Review status: criteria provided, single submitter. Criteria: Ambry Variant Classification Scheme 2023. Collection method: clinical testing. Allele origin: germline.
Comment: The p.R1591T variant (also known as c.4772G>C), located in coding exon 35 of the NF1 gene, results from a G to C substitution at nucleotide position 4772. The arginine at codon 1591 is replaced by threonine, an amino acid with similar properties. However, this change occurs in the last base pair of coding exon 35, which makes it likely to have some effect on normal mRNA splicing. This variant was reported in individuals with features consistent with Neurofibromatosis type 1 (Ambry internal data). This variant is considered to be rare based on population cohorts in the Genome Aggregation Database (gnomAD). This nucleotide position is highly conserved in available vertebrate species, and this amino acid position is highly conserved in available vertebrate species. In silico splice site analysis predicts that this alteration will weaken the native splice donor site. In addition, as a missense substitution this is predicted to be deleterious by in silico analysis. Based on the majority of available evidence to date, this variant is likely to be pathogenic.

Labcorp Genetics (formerly Invitae), Labcorp
Classification: Pathogenic for Neurofibromatosis, type 1. Last evaluated: 2025-05-21. Review status: criteria provided, single submitter. Criteria: Invitae Variant Classification Sherloc (09022015). Collection method: clinical testing. Allele origin: germline.
Comment: This sequence change replaces arginine, which is basic and polar, with threonine, which is neutral and polar, at codon 1591 of the NF1 protein (p.Arg1591Thr). This variant also falls at the last nucleotide of exon 35, which is part of the consensus splice site for this exon. This variant is not present in population databases (gnomAD no frequency). This missense change has been observed in individual(s) with NF1-related conditions (internal data). Invitae Evidence Modeling of clinical and family history, age, sex, and reported ancestry of multiple individuals with this NF1 variant has been performed. This variant is expected to be pathogenic with a positive predictive value of at least 99%. This is a validated machine learning model that incorporates the clinical features of 1,785,918 individuals referred to our laboratory for NF1 testing. ClinVar contains an entry for this variant (Variation ID: 1318480). An algorithm developed to predict the effect of missense changes on protein structure and function (PolyPhen-2) suggests that this variant is likely to be disruptive. Variants that disrupt the consensus splice site are a relatively common cause of aberrant splicing (PMID: 17576681, 9536098). Algorithms developed to predict the effect of sequence changes on RNA splicing suggest that this variant may disrupt the consensus splice site. For these reasons, this variant has been classified as Pathogenic.

GeneDx
Classification: Uncertain significance. Last evaluated: 2019-06-07. Review status: criteria provided, single submitter. Criteria: GeneDx Variant Classification Process June 2021. Collection method: clinical testing. Allele origin: germline. Affected: yes.
Comment: Not observed in large population cohorts (Lek et al., 2016); Has not been previously published as pathogenic or benign to our knowledge

Literature cited by the submitters: PubMed 17576681 (cited by Labcorp Genetics (formerly Invitae), Labcorp); PubMed 9536098 (cited by Labcorp Genetics (formerly Invitae), Labcorp).